The following is an entry in ClinVar:

NM_177438.3(DICER1):c.366G>A (p.Gly122=)

Gene: DICER1 (dicer 1, ribonuclease III; minus strand). Cytogenetic location: 14q32.13.
Variant type: single nucleotide variant.
Coding change: c.366G>A on transcript NM_177438.3 (MANE Select); coding-DNA position 366, G replaced by A.
Protein change: p.Gly122=; no amino-acid change (glycine 122 retained).
Molecular consequence: synonymous variant.
Genome position (GRCh38, 1-based): chr14:95,131,581, C>T on the plus strand (G>A on the coding strand, the complement: DICER1 is on the minus strand). VCF-style: chr14-95131581-C-T. GRCh37 (hg19) VCF-style: chr14-95597918-C-T.
Other names: c.366G>A, p.Gly122= (NM_001195573.1, NM_001271282.3, NM_001291628.2 and 1 more transcripts).
Identifiers: ClinVar variation 220875 (VCV000220875.23), dbSNP rs368741914, ClinGen allele CA350574.

ClinVar aggregate classification (germline): Benign/Likely benign. Review status: criteria provided, multiple submitters, no conflicts (2 of 4 stars). 7 submissions from 7 submitters: Benign (3); Likely benign (4). Last evaluated 2026-04-15.

Conditions:
Hereditary cancer-predisposing syndrome. Also called: Neoplastic Syndromes, Hereditary; Hereditary Cancer Syndrome; Tumor predisposition; Hereditary neoplastic syndrome. Identifiers: Orphanet 140162, MedGen C0027672, MeSH D009386, MONDO:0015356.
DICER1-related tumor predisposition. Also called: DICER1 syndrome; DICER1-related pleuropulmonary blastoma cancer predisposition syndrome. Identifiers: Orphanet 284343, MedGen C3839822, MONDO:0100216.

Allele frequency attached by ClinVar (database versions not stated): gnomAD exomes 0.00015 and 0.00032; ExAC 0.00016; gnomAD 0.00016 and 0.00018; TOPMed 0.00019; ESP Exome Variant Server 0.00023.
gnomAD v4.1: 509 of 1,612,456 alleles (0.032%); highest among the groups gnomAD compares: Non-Finnish European, 0.04%; 1 homozygote.

Submissions (7):

Myriad Genetics, Inc.
Classification: Benign for DICER1-related tumor predisposition. Last evaluated: 2026-04-15. Review status: criteria provided, single submitter. Criteria: Myriad Autosomal Dominant, Autosomal Recessive and X-Linked Classification Criteria (2023). Collection method: clinical testing. Allele origin: unknown.
Comment: This variant is considered benign. This variant is a silent/synonymous amino acid change and it is not expected to impact splicing.

CeGaT Center for Human Genetics Tuebingen
Classification: Likely benign. Last evaluated: 2026-02-01. Review status: criteria provided, single submitter. Criteria: CeGaT Center For Human Genetics Tuebingen Variant Classification Criteria Version 2. Collection method: clinical testing. Allele origin: germline. Affected: yes. Observed: 1 variant allele.
Comment: DICER1: BP4, BP7

Labcorp Genetics (formerly Invitae), Labcorp
Classification: Benign for DICER1-related tumor predisposition. Last evaluated: 2026-01-28. Review status: criteria provided, single submitter. Criteria: Invitae Variant Classification Sherloc (09022015). Collection method: clinical testing. Allele origin: germline.

Quest Diagnostics Nichols Institute San Juan Capistrano
Classification: Benign. Last evaluated: 2025-09-11. Review status: criteria provided, single submitter. Criteria: Quest Diagnostics criteria. Collection method: clinical testing. Allele origin: unknown.

Sema4
Classification: Likely benign for Hereditary cancer-predisposing syndrome. Last evaluated: 2021-02-24. Review status: criteria provided, single submitter. Criteria: Sema4 Curation Guidelines. Collection method: curation. Allele origin: germline.

GeneDx
Classification: Likely benign. Last evaluated: 2020-09-16. Review status: criteria provided, single submitter. Criteria: GeneDx Variant Classification Process June 2021. Collection method: clinical testing. Allele origin: germline. Affected: yes.

Ambry Genetics
Classification: Likely benign for Hereditary cancer-predisposing syndrome. Last evaluated: 2017-03-29. Review status: criteria provided, single submitter. Criteria: Ambry Variant Classification Scheme 2023. Collection method: clinical testing. Allele origin: germline.

Literature cited by the submitters: PubMed 21266384 (cited by Quest Diagnostics Nichols Institute San Juan Capistrano).